The following is an entry in ClinVar:

ClinVar aggregate classification (germline): Uncertain significance. Review status: criteria provided, multiple submitters, no conflicts (2 of 4 stars). 2 submissions from 2 submitters: Uncertain significance (2). Last evaluated 2024-03-18.

Conditions:
Inborn genetic diseases. Identifiers: MedGen C0950123, MeSH D030342.
Generalized pustular psoriasis. Identifiers: Orphanet 247353, MedGen C0343055, MONDO:0100491.

Allele frequency attached by ClinVar (database versions not stated): gnomAD exomes 0.00001 and 0.00002; ExAC 0.00002; gnomAD 0.00003; TOPMed 0.00003.

Submissions (2):

Ambry Genetics
Classification: Uncertain significance for Inborn genetic diseases. Last evaluated: 2024-03-18. Review status: criteria provided, single submitter. Criteria: Ambry Variant Classification Scheme 2023. Collection method: clinical testing. Allele origin: germline.

Labcorp Genetics (formerly Invitae), Labcorp
Classification: Uncertain significance for Generalized pustular psoriasis. Last evaluated: 2022-10-09. Review status: criteria provided, single submitter. Criteria: Invitae Variant Classification Sherloc (09022015). Collection method: clinical testing. Allele origin: germline.
Comment: In summary, the available evidence is currently insufficient to determine the role of this variant in disease. Therefore, it has been classified as a Variant of Uncertain Significance. Algorithms developed to predict the effect of sequence changes on RNA splicing suggest that this variant may create or strengthen a splice site. Algorithms developed to predict the effect of missense changes on protein structure and function are either unavailable or do not agree on the potential impact of this missense change (SIFT: "Deleterious"; PolyPhen-2: "Possibly Damaging"; Align-GVGD: "Class C15"). ClinVar contains an entry for this variant (Variation ID: 1402216). This variant has not been reported in the literature in individuals affected with IL36RN-related conditions. This variant is present in population databases (rs746941547, gnomAD 0.004%). This sequence change replaces glycine, which is neutral and non-polar, with valine, which is neutral and non-polar, at codon 63 of the IL36RN protein (p.Gly63Val).

NM_012275.3(IL36RN):c.188G>T (p.Gly63Val)

Gene: IL36RN (interleukin 36 receptor antagonist; plus strand). Cytogenetic location: 2q14.1.
Variant type: single nucleotide variant.
Coding change: c.188G>T on transcript NM_012275.3 (MANE Select); coding-DNA position 188, G replaced by T.
Protein change: p.Gly63Val; replaces glycine 63 with valine.
Molecular consequence: missense variant.
Genome position (GRCh38, 1-based): chr2:113,062,196, G>T. VCF-style: chr2-113062196-G-T. GRCh37 (hg19) VCF-style: chr2-113819773-G-T.
Other names: c.188G>T (NM_012275.2); c.188G>T, p.Gly63Val (NM_173170.1); short protein forms G63V.
Identifiers: ClinVar variation 1402216 (VCV001402216.7), dbSNP rs746941547, ClinGen allele CA1838382.